The following is an entry in ClinVar:

NM_000026.4(ADSL):c.205C>G (p.Leu69Val)

Gene: ADSL (adenylosuccinate lyase; plus strand). Cytogenetic location: 22q13.1.
Variant type: single nucleotide variant.
Coding change: c.205C>G on transcript NM_000026.4 (MANE Select); coding-DNA position 205, C replaced by G.
Protein change: p.Leu69Val; replaces leucine 69 with valine.
Molecular consequence: missense variant. On other transcripts: non-coding transcript variant (1).
Genome position (GRCh38, 1-based): chr22:40,349,883, C>G. VCF-style: chr22-40349883-C-G. GRCh37 (hg19) VCF-style: chr22-40745887-C-G.
Other names: c.205C>G, p.Leu69Val (NM_001123378.3, NM_001363840.3); c.13C>G, p.Leu5Val (NM_001317923.2); short protein forms L5V, L69V.
Identifiers: ClinVar variation 649605 (VCV000649605.6), dbSNP rs200169254, ClinGen allele CA10247645.

ClinVar aggregate classification (germline): Uncertain significance (1 of 4 stars; one submission).

Conditions:
Adenylosuccinate lyase deficiency (ADSLD). Also called: ADSL DEFICIENCY. Identifiers: Orphanet 46, MedGen C0268126, MONDO:0007068, OMIM 103050.

Allele frequency attached by ClinVar (database versions not stated): ExAC 0.00001; gnomAD 0.00001; TOPMed 0.00001.
gnomAD v4.1: 10 of 1,613,958 alleles (0.00062%); highest among the groups gnomAD compares: Non-Finnish European, 0.00076%; no homozygotes.

Submission:

Labcorp Genetics (formerly Invitae), Labcorp
Classification: Uncertain significance for Adenylosuccinate lyase deficiency. Last evaluated: 2020-12-14. Review status: criteria provided, single submitter. Criteria: Invitae Variant Classification Sherloc (09022015). Collection method: clinical testing. Allele origin: germline.
Comment: In summary, the available evidence is currently insufficient to determine the role of this variant in disease. Therefore, it has been classified as a Variant of Uncertain Significance. Algorithms developed to predict the effect of missense changes on protein structure and function (SIFT, PolyPhen-2, Align-GVGD) all suggest that this variant is likely to be tolerated, but these predictions have not been confirmed by published functional studies and their clinical significance is uncertain. This variant has not been reported in the literature in individuals with ADSL-related disease. This variant is present in population databases (rs200169254, ExAC 0.002%). This sequence change replaces leucine with valine at codon 69 of the ADSL protein (p.Leu69Val). The leucine residue is moderately conserved and there is a small physicochemical difference between leucine and valine.